The following is an entry in ClinVar:

ClinVar aggregate classification (germline): Uncertain significance. Review status: criteria provided, multiple submitters, no conflicts (2 of 4 stars). 3 submissions from 3 submitters: Uncertain significance (3). Last evaluated 2024-04-30.

Conditions:
Oculofaciocardiodental syndrome (MCOPS2). Identifiers: Orphanet 2712, MedGen C1846265, MONDO:0010261, OMIM 300166.

Allele frequency attached by ClinVar (database versions not stated): gnomAD exomes below 0.00001; gnomAD 0.00002 and 0.00003; TOPMed 0.00003.

Submissions (3):

Labcorp Genetics (formerly Invitae), Labcorp
Classification: Uncertain significance for Oculofaciocardiodental syndrome. Last evaluated: 2024-04-30. Review status: criteria provided, single submitter. Criteria: Invitae Variant Classification Sherloc (09022015). Collection method: clinical testing. Allele origin: germline.
Comment: This sequence change replaces arginine, which is basic and polar, with histidine, which is basic and polar, at codon 74 of the BCOR protein (p.Arg74His). This variant is present in population databases (no rsID available, gnomAD 0.02%). This variant has not been reported in the literature in individuals affected with BCOR-related conditions. ClinVar contains an entry for this variant (Variation ID: 450182). An algorithm developed to predict the effect of missense changes on protein structure and function (PolyPhen-2) suggests that this variant is likely to be tolerated. In summary, the available evidence is currently insufficient to determine the role of this variant in disease. Therefore, it has been classified as a Variant of Uncertain Significance.

Department of Pathology and Laboratory Medicine, Sinai Health System
Classification: Uncertain significance for microphthalmia, syndromic 2. Last evaluated: 2021-07-30. Review status: criteria provided, single submitter. Criteria: ACMG Guidelines, 2015. Collection method: research. Allele origin: germline.

GeneDx
Classification: Uncertain significance. Last evaluated: 2017-07-12. Review status: criteria provided, single submitter. Criteria: GeneDx Variant Classification (06012015). Collection method: clinical testing. Allele origin: germline. Affected: yes.
Comment: The R74H variant in the BCOR gene has not been reported previously as a pathogenic variant, nor as a benign variant, to our knowledge. The R74H variant is not observed in large population cohorts (Lek et al., 2016; 1000 Genomes Consortium et al., 2015; Exome Variant Server). The R74H variant is a conservative amino acid substitution, which occurs at a position that is conserved across species. In silico analysis predicts this variant is probably damaging to the protein structure/function. We interpret R74H as a variant of uncertain significance.

NM_001123385.2(BCOR):c.221G>A (p.Arg74His)

Gene: BCOR (BCL6 corepressor; minus strand). Cytogenetic location: Xp11.4.
Variant type: single nucleotide variant.
Coding change: c.221G>A on transcript NM_001123385.2 (MANE Select); coding-DNA position 221, G replaced by A.
Protein change: p.Arg74His; replaces arginine 74 with histidine.
Molecular consequence: missense variant.
Genome position (GRCh38, 1-based): chrX:40,075,125, C>T on the plus strand (G>A on the coding strand, the complement: BCOR is on the minus strand). VCF-style: chrX-40075125-C-T. GRCh37 (hg19) VCF-style: chrX-39934378-C-T.
Other names: c.221G>A, p.Arg74His (NM_001123383.2, NM_001123384.2, NM_017745.6); short protein forms R74H.
Identifiers: ClinVar variation 450182 (VCV000450182.6), dbSNP rs1434826738, ClinGen allele CA412749189.